The following is an entry in ClinVar:

ClinVar aggregate classification (germline): Conflicting classifications of pathogenicity. Review status: criteria provided, conflicting classifications (1 of 4 stars). 3 submissions from 3 submitters: Pathogenic (1); Uncertain significance (2). Last evaluated 2020-11-19.

Conditions:
Coffin-Siris syndrome. Identifiers: Orphanet 1465, MedGen C0265338, MONDO:0015452.
Inborn genetic diseases. Identifiers: MedGen C0950123, MeSH D030342.

Submissions (3):

Genetics and Molecular Pathology, SA Pathology
Classification: Uncertain significance for Coffin-Siris syndrome. Last evaluated: 2020-11-19. Review status: criteria provided, single submitter. Criteria: ACMG Guidelines, 2015. Collection method: clinical testing. Allele origin: germline. Affected: yes.
Comment: The SOX11 c.356G>C variant is classified as VUS (PS2_Supporting, PM2, PP3)

GeneDx
Classification: Pathogenic. Last evaluated: 2020-07-09. Review status: criteria provided, single submitter. Criteria: GeneDx Variant Classification Process June 2021. Collection method: clinical testing. Allele origin: germline. Affected: yes.
Comment: Not observed in large population cohorts (Lek et al., 2016); In silico analysis, which includes protein predictors and evolutionary conservation, supports a deleterious effect; Has not been previously published as pathogenic or benign to our knowledge; This variant is associated with the following publications: (PMID: 15254231, 24886874, 26543203)

Ambry Genetics
Classification: Uncertain significance for Inborn genetic diseases. Last evaluated: 2017-03-16. Review status: criteria provided, single submitter. Criteria: Ambry exome assertion method (8-5-2015). Collection method: clinical testing. Allele origin: germline. Affected: yes. Observed: 1 variant allele.

Literature cited by the submitters: PubMed 26543203 (cited by Ambry Genetics).

NM_003108.4(SOX11):c.356G>C (p.Arg119Pro)

Gene: SOX11 (SRY-box transcription factor 11; plus strand). Cytogenetic location: 2p25.2.
Variant type: single nucleotide variant.
Coding change: c.356G>C on transcript NM_003108.4 (MANE Select); coding-DNA position 356, G replaced by C.
Protein change: p.Arg119Pro; replaces arginine 119 with proline.
Molecular consequence: missense variant.
Genome position (GRCh38, 1-based): chr2:5,693,077, G>C. VCF-style: chr2-5693077-G-C. GRCh37 (hg19) VCF-style: chr2-5833209-G-C.
Other names: short protein forms R119P.
Identifiers: ClinVar variation 521639 (VCV000521639.8), dbSNP rs749901648, ClinGen allele CA345866535.